The following is an entry in ClinVar:

NM_000441.2(SLC26A4):c.1237C>T (p.Gln413Ter)

Gene: SLC26A4 (solute carrier family 26 member 4; plus strand). Cytogenetic location: 7q22.3.
Variant type: single nucleotide variant.
Coding change: c.1237C>T on transcript NM_000441.2 (MANE Select); coding-DNA position 1237, C replaced by T.
Protein change: p.Gln413Ter; replaces glutamine 413 with a stop codon.
Molecular consequence: nonsense.
Genome position (GRCh38, 1-based): chr7:107,690,211, C>T. VCF-style: chr7-107690211-C-T. GRCh37 (hg19) VCF-style: chr7-107330656-C-T.
Other names: short protein forms Q413*.
Identifiers: ClinVar variation 2833495 (VCV002833495.4), dbSNP rs2535319486, ClinGen allele CA368839286.

ClinVar aggregate classification (germline): Pathogenic. Review status: criteria provided, multiple submitters, no conflicts (2 of 4 stars). 2 submissions from 2 submitters: Pathogenic (2). Last evaluated 2024-01-16.

Conditions:
Pendred syndrome (PDS). Also called: DEAFNESS WITH GOITER; GOITER-DEAFNESS SYNDROME; HYPOTHYROIDISM, CONGENITAL, DUE TO DYSHORMONOGENESIS, 2B; THYROID DYSHORMONOGENESIS 2B; THYROID HORMONOGENESIS, GENETIC DEFECT IN, 2B; Pendred's syndrome. Identifiers: Orphanet 705, MedGen C0271829, MONDO:0010134, OMIM 274600.

Submissions (2):

Myriad Genetics, Inc.
Classification: Pathogenic for Pendred syndrome. Last evaluated: 2024-01-16. Review status: criteria provided, single submitter. Criteria: Myriad Autosomal Dominant, Autosomal Recessive and X-Linked Classification Criteria (2023). Collection method: clinical testing. Allele origin: unknown.
Comment: NM_000441.1(SLC26A4):c.1237C>T(Q413*) is expected to be pathogenic in the context of Pendred syndrome. This variant is predicted to lead to an abnormal or absent protein product due to the creation of a premature termination codon in SLC26A4, a gene where loss-of-function variants are known to be pathogenic. Please note: this variant was assessed in the context of healthy population screening.

Labcorp Genetics (formerly Invitae), Labcorp
Classification: Pathogenic. Last evaluated: 2023-02-01. Review status: criteria provided, single submitter. Criteria: Invitae Variant Classification Sherloc (09022015). Collection method: clinical testing. Allele origin: germline.
Comment: This sequence change creates a premature translational stop signal (p.Gln413*) in the SLC26A4 gene. It is expected to result in an absent or disrupted protein product. Loss-of-function variants in SLC26A4 are known to be pathogenic (PMID: 16283880, 25394566, 26252218, 26445815). This variant is not present in population databases (gnomAD no frequency). This variant has not been reported in the literature in individuals affected with SLC26A4-related conditions. For these reasons, this variant has been classified as Pathogenic.

Literature cited by the submitters: PubMed 16283880 (cited by Labcorp Genetics (formerly Invitae), Labcorp); PubMed 25394566 (cited by Labcorp Genetics (formerly Invitae), Labcorp); PubMed 26252218 (cited by Labcorp Genetics (formerly Invitae), Labcorp); PubMed 26445815 (cited by Labcorp Genetics (formerly Invitae), Labcorp).